The following is an entry in ClinVar:

ClinVar aggregate classification (germline): Uncertain significance. Review status: criteria provided, multiple submitters, no conflicts (2 of 4 stars). 3 submissions from 3 submitters: Uncertain significance (3). Last evaluated 2025-07-28.

Conditions:
Hereditary cancer-predisposing syndrome. Also called: Hereditary neoplastic syndrome; Neoplastic Syndromes, Hereditary; Tumor predisposition; Hereditary Cancer Syndrome. Identifiers: Orphanet 140162, MedGen C0027672, MeSH D009386, MONDO:0015356.
Hereditary breast ovarian cancer syndrome. Also called: Hereditary breast and ovarian cancer syndrome (HBOC); Breast and ovarian cancer; Hereditary breast and/or ovarian cancer syndrome; BRCA1- and BRCA2-Associated Hereditary Breast and Ovarian Cancer; Hereditary breast and ovarian cancer syndrome; Hereditary breast and ovarian cancer. Identifiers: Orphanet 145, MedGen C0677776, MeSH D061325, MONDO:0003582. Disease mechanism: loss of function.

Submissions (3):

Ambry Genetics
Classification: Uncertain significance for Hereditary cancer-predisposing syndrome. Last evaluated: 2025-07-28. Review status: criteria provided, single submitter. Criteria: Ambry Variant Classification Scheme 2023. Collection method: clinical testing. Allele origin: germline.
Comment: The c.717_719delTCA variant (also known as p.H239del) is located in coding exon 9 of the BRCA1 gene. This variant results from an in-frame TCA deletion at nucleotide positions 717 to 719. This results in the in-frame deletion of a histidine at codon 239. This amino acid position is not well conserved in available vertebrate species. In addition, this alteration is predicted to be neutral by in silico analysis (Choi Y et al. PLoS ONE. 2012; 7(10):e46688). Based on the available evidence, the clinical significance of this variant remains unclear.

Labcorp Genetics (formerly Invitae), Labcorp
Classification: Uncertain significance for Hereditary breast ovarian cancer syndrome. Last evaluated: 2024-02-08. Review status: criteria provided, single submitter. Criteria: Invitae Variant Classification Sherloc (09022015). Collection method: clinical testing. Allele origin: germline.
Comment: This variant, c.717_719del, results in the deletion of 1 amino acid(s) of the BRCA1 protein (p.His239del), but otherwise preserves the integrity of the reading frame. This variant is not present in population databases (gnomAD no frequency). This variant has not been reported in the literature in individuals affected with BRCA1-related conditions. ClinVar contains an entry for this variant (Variation ID: 185690). Experimental studies and prediction algorithms are not available or were not evaluated, and the functional significance of this variant is currently unknown. In summary, the available evidence is currently insufficient to determine the role of this variant in disease. Therefore, it has been classified as a Variant of Uncertain Significance.

Women's Health and Genetics/Laboratory Corporation of America, LabCorp
Classification: Uncertain significance. Last evaluated: 2018-03-19. Review status: criteria provided, single submitter. Criteria: LabCorp Variant Classification Summary - May 2015. Collection method: clinical testing. Allele origin: germline.
Comment: Variant summary: BRCA1 c.717_719delTCA (p.His239del) results in an in-frame deletion that is predicted to remove one histidine amino acid from the encoded protein. The variant was absent in 245358 control chromosomes. The available data on variant occurrences in the general population are insufficient to allow any conclusion about variant significance. To our knowledge, no occurrence of c.717_719delTCA in individuals affected with Hereditary Breast and Ovarian Cancer and no experimental evidence demonstrating its impact on protein function have been reported. No clinical diagnostic laboratories have submitted clinical-significance assessments for this variant to ClinVar after 2014; however a submission from May 2014 classified the variant as uncertain significance. Based on the evidence outlined above, the variant was classified as uncertain significance.

NM_007294.4(BRCA1):c.714TCA[1] (p.His239del)

Gene: BRCA1 (BRCA1 DNA repair associated; minus strand). Cytogenetic location: 17q21.31.
Variant type: Microsatellite.
Coding change: c.714TCA[1] on transcript NM_007294.4 (MANE Select); one copy of the 3-base unit TCA starting at c.714; the reference has two copies in a row; one copy, 3 bases deleted; also written c.717_719del.
Protein change: p.His239del; deletes histidine 239.
Molecular consequence: inframe deletion. On other transcripts: inframe indel (353), non-coding transcript variant (1).
Genome position (GRCh38, 1-based): chr17:43,094,812-43,094,814, TGA deleted on the plus strand (TCA on the coding strand, the reverse complement: BRCA1 is on the minus strand); deleting any 3 consecutive bases within chr17:43,094,812-43,094,819 gives the same sequence; the position shown is the placement nearest the transcript's 3' end. VCF-style (leftmost placement, unchanged base first): chr17-43094811-TTGA-T. GRCh37 (hg19) VCF-style: chr17-41246828-TTGA-T.
Other names: c.717_719del (NM_007294.3); c.717_719delTCA (NM_007294.3); c.571_573CAT[1], p.His192del (NM_001407735.1, NM_001407736.1, NM_001407737.1 and 42 more transcripts); c.568_570CAT[1], p.His191del (NM_001407740.1, NM_001407741.1, NM_001407742.1 and 26 more transcripts); c.499_501CAT[1], p.His168del (NM_001407571.1, NM_001407853.1, NM_001407894.1 and 12 more transcripts); c.712_714CAT[1], p.His239del (NM_001407581.1, NM_001407582.1, NM_001407583.1 and 53 more transcripts); c.709_711CAT[1], p.His238del (NM_001407587.1, NM_001407590.1, NM_001407591.1 and 38 more transcripts); c.511_513CAT[1], p.His172del (NM_001407862.1, NM_001408474.1, NM_001408476.1); and 18 more; short protein forms H239del, H192del, H171del, H191del, H236del, H128del, H150del, H169del.
Identifiers: ClinVar variation 185690 (VCV000185690.20), dbSNP rs786202378, ClinGen allele CA003833.
Genomic context (GRCh38, chr17:43,094,811, plus strand): 5'-CTTTTCTGGATGCCTCTCAGCTGCACGCTTCTCAGTGGTGTTCAAATCATTATTACTGGG[TTGA>T]TGATGTTCAGTATTTGTTACATCCGTCTCAGAAAATTCACAAGCAGCTGAAAATATACAA-3'